The following is an entry in ClinVar:

ClinVar aggregate classification (germline): Conflicting classifications of pathogenicity. Review status: criteria provided, conflicting classifications (1 of 4 stars). 8 submissions from 8 submitters: Uncertain significance (4); Benign (1); Likely benign (2). 1 of the submissions does not count toward it. Last evaluated 2026-01-20.

Conditions:
INVS-related disorder. Also called: INVS-related condition.
Nephronophthisis. Also called: Juvenile Nephronophthisis. Identifiers: Orphanet 655, MedGen C0687120, MONDO:0019005, HP:0000090.
Inborn genetic diseases. Identifiers: MedGen C0950123, MeSH D030342.

Allele frequency attached by ClinVar (database versions not stated): ESP Exome Variant Server 0.00062; gnomAD 0.00068 and 0.00074; TOPMed 0.00076; gnomAD exomes 0.00020; ExAC 0.00024; 1000 Genomes Project 30x 0.00047; 1000 Genomes Project 0.00060.
gnomAD v4.1: 218 of 1,614,156 alleles (0.014%); highest among the groups gnomAD compares: African/African-American, 0.24%; 1 homozygote.

Submissions (8):

Labcorp Genetics (formerly Invitae), Labcorp
Classification: Likely benign for Nephronophthisis. Last evaluated: 2026-01-20. Review status: criteria provided, single submitter. Criteria: Invitae Variant Classification Sherloc (09022015). Collection method: clinical testing. Allele origin: germline.

Ambry Genetics
Classification: Uncertain significance for Inborn genetic diseases. Last evaluated: 2025-08-05. Review status: criteria provided, single submitter. Criteria: Ambry Variant Classification Scheme 2023. Collection method: clinical testing. Allele origin: germline.

GeneDx
Classification: Uncertain significance. Last evaluated: 2024-10-28. Review status: criteria provided, single submitter. Criteria: GeneDx Variant Classification Process June 2021. Collection method: clinical testing. Allele origin: germline. Affected: yes.
Comment: In silico analysis indicates that this missense variant does not alter protein structure/function; Has not been previously published as pathogenic or benign to our knowledge

Blueprint Genetics
Classification: Benign. Last evaluated: 2024-10-23. Review status: criteria provided, single submitter. Criteria: ACMG Guidelines, 2015. Collection method: clinical testing. Allele origin: germline.

Women's Health and Genetics/Laboratory Corporation of America, LabCorp
Classification: Likely benign. Last evaluated: 2024-05-15. Review status: criteria provided, single submitter. Criteria: LabCorp Variant Classification Summary - May 2015. Collection method: clinical testing. Allele origin: germline.
Comment: Variant summary: INVS c.2311G>A (p.Asp771Asn) results in a conservative amino acid change in the encoded protein sequence. Five of five in-silico tools predict a benign effect of the variant on protein function. The variant allele was found at a frequency of 0.00027 in 280938 control chromosomes, predominantly at a frequency of 0.0025 within the African or African-American subpopulation in the gnomAD database strongly suggesting that the variant is a benign polymorphism found primarily in populations of African or African-American origin. To our knowledge, no occurrence of c.2311G>A in individuals affected with Infantile Nephronophthisis and no experimental evidence demonstrating its impact on protein function have been reported. ClinVar contains an entry for this variant (Variation ID: 194407). Based on the evidence outlined above, the variant was classified as likely benign.

Mayo Clinic Laboratories, Mayo Clinic
Classification: Uncertain significance. Last evaluated: 2021-04-27. Review status: criteria provided, single submitter. Criteria: ACMG Guidelines, 2015. Collection method: clinical testing. Allele origin: germline.

Eurofins Ntd Llc (ga)
Classification: Uncertain significance. Last evaluated: 2018-03-19. Review status: criteria provided, single submitter. Criteria: EGL ClinVar v180209 classification definitions. Collection method: clinical testing. Allele origin: germline. Observed: 7 variant alleles, 7 heterozygotes.

PreventionGenetics, part of Exact Sciences
Classification: Likely benign for INVS-related condition. Last evaluated: 2022-03-06. Review status: no assertion criteria provided. Collection method: clinical testing. Allele origin: germline. Not counted in ClinVar's aggregate classification.
Comment: This variant is classified as likely benign based on ACMG/AMP sequence variant interpretation guidelines (Richards et al. 2015 PMID: 25741868, with internal and published modifications).

NM_014425.5(INVS):c.2311G>A (p.Asp771Asn)

Gene: INVS (inversin; plus strand). Cytogenetic location: 9q31.1.
Variant type: single nucleotide variant.
Coding change: c.2311G>A on transcript NM_014425.5 (MANE Select); coding-DNA position 2311, G replaced by A.
Protein change: p.Asp771Asn; replaces aspartic acid 771 with asparagine.
Molecular consequence: missense variant. On other transcripts: non-coding transcript variant (1).
Genome position (GRCh38, 1-based): chr9:100,292,568, G>A. VCF-style: chr9-100292568-G-A. GRCh37 (hg19) VCF-style: chr9-103054850-G-A.
Other names: p.Asp771Asn; c.2311G>A (NM_014425.2, NM_014425.4); c.2023G>A, p.Asp675Asn (NM_001318381.2); c.1333G>A, p.Asp445Asn (NM_001318382.2); short protein forms D771N, D445N, D675N.
Identifiers: ClinVar variation 194407 (VCV000194407.24), dbSNP rs115754570, ClinGen allele CA240334.